The following is an entry in ClinVar:

NM_020778.5(ALPK3):c.3575C>T (p.Ser1192Phe)

Gene: ALPK3 (alpha kinase 3; plus strand). Cytogenetic location: 15q25.3.
Variant type: single nucleotide variant.
Coding change: c.3575C>T on transcript NM_020778.5 (MANE Select); coding-DNA position 3575, C replaced by T.
Protein change: p.Ser1192Phe; replaces serine 1192 with phenylalanine.
Molecular consequence: missense variant.
Genome position (GRCh38, 1-based): chr15:84,858,313, C>T. VCF-style: chr15-84858313-C-T. GRCh37 (hg19) VCF-style: chr15-85401544-C-T.
Other names: short protein forms S1192F.
Identifiers: ClinVar variation 1738503 (VCV001738503.7), dbSNP rs1357155889, ClinGen allele CA393360544.

ClinVar aggregate classification (germline): Uncertain significance. Review status: criteria provided, multiple submitters, no conflicts (2 of 4 stars). 2 submissions from 2 submitters: Uncertain significance (2). Last evaluated 2026-01-21.

Conditions:
Cardiovascular phenotype. Identifiers: MedGen CN230736.

Allele frequency attached by ClinVar (database versions not stated): TOPMed below 0.00001.
gnomAD v4.1: 7 of 1,566,102 alleles (0.00045%); highest among the groups gnomAD compares: Non-Finnish European, 0.00061%; no homozygotes.

Submissions (2):

Labcorp Genetics (formerly Invitae), Labcorp
Classification: Uncertain significance. Last evaluated: 2026-01-21. Review status: criteria provided, single submitter. Criteria: Invitae Variant Classification Sherloc (09022015). Collection method: clinical testing. Allele origin: germline.
Comment: This sequence change replaces serine, which is neutral and polar, with phenylalanine, which is neutral and non-polar, at codon 1394 of the ALPK3 protein (p.Ser1394Phe). This variant is not present in population databases (gnomAD no frequency). This variant has not been reported in the literature in individuals affected with ALPK3-related conditions. ClinVar contains an entry for this variant (Variation ID: 1738503). Invitae Evidence Modeling of protein sequence and biophysical properties (such as structural, functional, and spatial information, amino acid conservation, physicochemical variation, residue mobility, and thermodynamic stability) indicates that this missense variant is expected to disrupt ALPK3 protein function with a positive predictive value of 80%. In summary, the available evidence is currently insufficient to determine the role of this variant in disease. Therefore, it has been classified as a Variant of Uncertain Significance.

Ambry Genetics
Classification: Uncertain significance for Cardiovascular phenotype. Last evaluated: 2024-02-20. Review status: criteria provided, single submitter. Criteria: Ambry Variant Classification Scheme 2023. Collection method: clinical testing. Allele origin: germline.
Comment: The p.S1394F variant (also known as c.4181C>T), located in coding exon 6 of the ALPK3 gene, results from a C to T substitution at nucleotide position 4181. The serine at codon 1394 is replaced by phenylalanine, an amino acid with highly dissimilar properties. This amino acid position is highly conserved in available vertebrate species. In addition, the in silico prediction for this alteration is inconclusive. Since supporting evidence is limited at this time, the clinical significance of this alteration remains unclear.